The following is an entry in ClinVar:

NM_000362.5(TIMP3):c.121G>C (p.Val41Leu)

Genes: SYN3 (synapsin III; minus strand), TIMP3 (TIMP metallopeptidase inhibitor 3; plus strand). Cytogenetic location: 22q12.3.
Variant type: single nucleotide variant.
Coding change: c.121G>C on transcript NM_000362.5 (MANE Select); coding-DNA position 121, G replaced by C.
Protein change: p.Val41Leu; replaces valine 41 with leucine.
Molecular consequence: missense variant. On other transcripts: intron variant (7).
Genome position (GRCh38, 1-based): chr22:32,802,122, G>C. VCF-style: chr22-32802122-G-C. GRCh37 (hg19) VCF-style: chr22-33198108-G-C.
Other names: c.708+62793C>G (NM_001369909.1, NM_001135774.2, NM_001369910.1); c.711+62793C>G (NM_001369907.1, NM_003490.4, NM_001369908.1 and 1 more transcripts); short protein forms V41L.
Identifiers: ClinVar variation 2696246 (VCV002696246.3), dbSNP rs2545723354, ClinGen allele CA411539136.

ClinVar aggregate classification (germline): Uncertain significance (1 of 4 stars; one submission).

Submission:

Labcorp Genetics (formerly Invitae), Labcorp
Classification: Uncertain significance. Last evaluated: 2023-11-15. Review status: criteria provided, single submitter. Criteria: Invitae Variant Classification Sherloc (09022015). Collection method: clinical testing. Allele origin: germline.
Comment: This sequence change replaces valine, which is neutral and non-polar, with leucine, which is neutral and non-polar, at codon 41 of the TIMP3 protein (p.Val41Leu). This variant also falls at the last nucleotide of exon 1, which is part of the consensus splice site for this exon. This variant is not present in population databases (gnomAD no frequency). This variant has not been reported in the literature in individuals affected with TIMP3-related conditions. An algorithm developed to predict the effect of missense changes on protein structure and function (PolyPhen-2) suggests that this variant is likely to be disruptive. Variants that disrupt the consensus splice site are a relatively common cause of aberrant splicing (PMID: 17576681, 9536098). In summary, the available evidence is currently insufficient to determine the role of this variant in disease. Therefore, it has been classified as a Variant of Uncertain Significance.

Literature cited by the submitters: PubMed 17576681; PubMed 9536098.